The following is an entry in ClinVar:

ClinVar aggregate classification (germline): Uncertain significance. Review status: criteria provided, multiple submitters, no conflicts (2 of 4 stars). 5 submissions from 5 submitters: Uncertain significance (5). Last evaluated 2026-05-14.

Conditions:
Osteogenesis imperfecta (OI). Identifiers: Orphanet 666, MedGen C0029434, MeSH D010013, MONDO:0019019.
Cardiovascular phenotype. Identifiers: MedGen CN230736.
Osteogenesis imperfecta type I (OI1). Also called: Osteogenesis imperfecta type 1; OI, TYPE I; OSTEOGENESIS IMPERFECTA TARDA; OSTEOGENESIS IMPERFECTA WITH BLUE SCLERAE; Lobstein disease; Lobstein's Disease. Identifiers: Orphanet 216796, Orphanet 666, MedGen C0023931, MONDO:0008146, OMIM 166200. Disease mechanism: loss of function.
Ehlers-Danlos syndrome, classic type, 1 (EDSCL1). Also called: Ehlers-Danlos syndrome, type 1; Ehlers-Danlos Syndrome, Classic Type, COL5A1-Related; EDS I; EHLERS-DANLOS SYNDROME, GRAVIS TYPE; EHLERS-DANLOS SYNDROME, SEVERE CLASSIC TYPE. Identifiers: MedGen C0268335, MONDO:0019567, OMIM 130000.

Allele frequency attached by ClinVar (database versions not stated): ExAC 0.00001; gnomAD exomes 0.00001; TOPMed 0.00001.
gnomAD v4.1: 7 of 1,613,498 alleles (0.00043%); highest among the groups gnomAD compares: Admixed American, 0.0017%; no homozygotes.

Submissions (5):

Ambry Genetics
Classification: Uncertain significance for Cardiovascular phenotype. Last evaluated: 2026-05-14. Review status: criteria provided, single submitter. Criteria: Ambry Variant Classification Scheme 2023. Collection method: clinical testing. Allele origin: germline.
Comment: The c.121C>T (p.R41C) alteration is located in exon 4 (coding exon 4) of the COL1A2 gene. This alteration results from a C to T substitution at nucleotide position 121, causing the arginine (R) at amino acid position 41 to be replaced by a cysteine (C). Based on data from gnomAD, the T allele has an overall frequency of 0.001% (2/251428) total alleles studied. The highest observed frequency was 0.003% (1/34592) of Latino alleles. Based on insufficient or conflicting evidence, the clinical significance of this alteration remains unclear.

Women's Health and Genetics/Laboratory Corporation of America, LabCorp
Classification: Uncertain significance. Last evaluated: 2025-04-21. Review status: criteria provided, single submitter. Criteria: LabCorp Variant Classification Summary - May 2015. Collection method: clinical testing. Allele origin: germline.
Comment: Variant summary: COL1A2 c.121C>T (p.Arg41Cys) results in a non-conservative amino acid change in the encoded protein sequence. Five of five in-silico tools predict a damaging effect of the variant on protein function. The variant allele was found at a frequency of 8e-06 in 251428 control chromosomes. The available data on variant occurrences in the general population are insufficient to allow any conclusion about variant significance. To our knowledge, no occurrence of c.121C>T in individuals affected with Ehlers-Danlos syndrome, cardiac valvular type and no experimental evidence demonstrating its impact on protein function have been reported. ClinVar contains an entry for this variant (Variation ID: 1502921). Based on the evidence outlined above, the variant was classified as uncertain significance.

Blueprint Genetics
Classification: Uncertain significance. Last evaluated: 2022-02-02. Review status: criteria provided, single submitter. Criteria: ACMG Guidelines, 2015. Collection method: clinical testing. Allele origin: germline.

Labcorp Genetics (formerly Invitae), Labcorp
Classification: Uncertain significance for Osteogenesis imperfecta type I; Ehlers-Danlos syndrome, classic type, 1. Last evaluated: 2021-10-23. Review status: criteria provided, single submitter. Criteria: Invitae Variant Classification Sherloc (09022015). Collection method: clinical testing. Allele origin: germline.
Comment: In summary, the available evidence is currently insufficient to determine the role of this variant in disease. Therefore, it has been classified as a Variant of Uncertain Significance. Advanced modeling of protein sequence and biophysical properties (such as structural, functional, and spatial information, amino acid conservation, physicochemical variation, residue mobility, and thermodynamic stability) performed at Invitae indicates that this missense variant is not expected to disrupt COL1A2 protein function. This variant has not been reported in the literature in individuals affected with COL1A2-related conditions. This variant is present in population databases (rs769457034, gnomAD 0.003%). This sequence change replaces arginine, which is basic and polar, with cysteine, which is neutral and slightly polar, at codon 41 of the COL1A2 protein (p.Arg41Cys).

Genome Diagnostics Laboratory, The Hospital for Sick Children
Classification: Uncertain significance for Osteogenesis imperfecta. Last evaluated: 2020-04-01. Review status: criteria provided, single submitter. Criteria: ACMG Guidelines, 2015. Collection method: clinical testing. Allele origin: germline.

NM_000089.4(COL1A2):c.121C>T (p.Arg41Cys)

Gene: COL1A2 (collagen type I alpha 2 chain; plus strand). Cytogenetic location: 7q21.3.
Variant type: single nucleotide variant.
Coding change: c.121C>T on transcript NM_000089.4 (MANE Select); coding-DNA position 121, C replaced by T.
Protein change: p.Arg41Cys; replaces arginine 41 with cysteine.
Molecular consequence: missense variant.
Genome position (GRCh38, 1-based): chr7:94,399,073, C>T. VCF-style: chr7-94399073-C-T. GRCh37 (hg19) VCF-style: chr7-94028385-C-T.
Other names: short protein forms R41C.
Identifiers: ClinVar variation 1502921 (VCV001502921.13), dbSNP rs769457034, ClinGen allele CA4346491.